The following is an entry in ClinVar:

NM_000091.5(COL4A3):c.1231A>G (p.Lys411Glu)

Genes: COL4A3 (collagen type IV alpha 3 chain; plus strand), MFF-DT (MFF divergent transcript; minus strand). Cytogenetic location: 2q36.3.
Variant type: single nucleotide variant.
Coding change: c.1231A>G on transcript NM_000091.5 (MANE Select); coding-DNA position 1231, A replaced by G.
Protein change: p.Lys411Glu; replaces lysine 411 with glutamic acid.
Molecular consequence: missense variant.
Genome position (GRCh38, 1-based): chr2:227,263,860, A>G. VCF-style: chr2-227263860-A-G. GRCh37 (hg19) VCF-style: chr2-228128576-A-G.
Other names: short protein forms K411E.
Identifiers: ClinVar variation 4800365 (VCV004800365.1).

ClinVar aggregate classification (germline): Uncertain significance (1 of 4 stars; one submission).

Submission:

Labcorp Genetics (formerly Invitae), Labcorp
Classification: Uncertain significance. Last evaluated: 2025-05-23. Review status: criteria provided, single submitter. Criteria: Invitae Variant Classification Sherloc (09022015). Collection method: clinical testing. Allele origin: germline.
Comment: This sequence change replaces lysine, which is basic and polar, with glutamic acid, which is acidic and polar, at codon 411 of the COL4A3 protein (p.Lys411Glu). This variant is not present in population databases (gnomAD no frequency). This variant has not been reported in the literature in individuals affected with COL4A3-related conditions. Invitae Evidence Modeling of protein sequence and biophysical properties (such as structural, functional, and spatial information, amino acid conservation, physicochemical variation, residue mobility, and thermodynamic stability) indicates that this missense variant is not expected to disrupt COL4A3 protein function with a negative predictive value of 95%. In summary, the available evidence is currently insufficient to determine the role of this variant in disease. Therefore, it has been classified as a Variant of Uncertain Significance.